The following is an entry in ClinVar:

NM_001040142.2(SCN2A):c.5397T>C (p.Tyr1799=)

Gene: SCN2A (sodium voltage-gated channel alpha subunit 2; plus strand). Cytogenetic location: 2q24.3.
Variant type: single nucleotide variant.
Coding change: c.5397T>C on transcript NM_001040142.2 (MANE Select); coding-DNA position 5397, T replaced by C.
Protein change: p.Tyr1799=; no amino-acid change (tyrosine 1799 retained).
Molecular consequence: synonymous variant.
Genome position (GRCh38, 1-based): chr2:165,389,203, T>C. VCF-style: chr2-165389203-T-C. GRCh37 (hg19) VCF-style: chr2-166245713-T-C.
Other names: c.5397T>C, p.Tyr1799= (NM_001040143.2, NM_001371246.1, NM_001371247.1 and 1 more transcripts).
Identifiers: ClinVar variation 212130 (VCV000212130.63), dbSNP rs200603552, ClinGen allele CA206429.
Genomic context (GRCh38, chr2:165,389,203, plus strand): 5'-CAGTGTTGCTACTGAAGAAAGTGCAGAGCCTCTGAGTGAGGATGACTTTGAGATGTTCTA[T>C]GAGGTTTGGGAGAAGTTTGATCCCGATGCGACCCAGTTTATAGAGTTTGCCAAACTTTCT-3'
Protein context (NP_001035232.1, residues 1789-1809): PLSEDDFEMF[Tyr1799=]EVWEKFDPDA

ClinVar aggregate classification (germline): Conflicting classifications of pathogenicity. Review status: criteria provided, conflicting classifications (1 of 4 stars). 8 submissions from 8 submitters: Uncertain significance (1); Benign (2); Likely benign (4). 1 of the submissions does not count toward it. Last evaluated 2025-11-25.

Conditions:
SCN2A-related disorder. Also called: SCN2A-related condition; SCN2A-related disorders. Identifiers: MedGen CN382226, MONDO:1060245.
Developmental and epileptic encephalopathy, 11 (DEE11). Also called: Early infantile epileptic encephalopathy 11. Identifiers: Orphanet 1934, MedGen C3150987, MONDO:0013388, OMIM 613721.
Seizures, benign familial infantile, 3 (BFIS3). Also called: CONVULSIONS, BENIGN FAMILIAL INFANTILE, 3; Familial neonatal seizures. Identifiers: Orphanet 140927, Orphanet 306, MedGen C1843140, MONDO:0011904, OMIM 607745.

Allele frequency attached by ClinVar (database versions not stated): ExAC 0.00009; gnomAD exomes 0.00013 and 0.00034; gnomAD 0.00020 and 0.00023; TOPMed 0.00022; ESP Exome Variant Server 0.00023.
gnomAD v4.1: 516 of 1,613,974 alleles (0.032%); highest among the groups gnomAD compares: Non-Finnish European, 0.042%; no homozygotes.

Submissions (8):

Labcorp Genetics (formerly Invitae), Labcorp
Classification: Likely benign for Seizures, benign familial infantile, 3; Developmental and epileptic encephalopathy, 11. Last evaluated: 2025-11-25. Review status: criteria provided, single submitter. Criteria: Invitae Variant Classification Sherloc (09022015). Collection method: clinical testing. Allele origin: germline.

Blueprint Genetics
Classification: Likely benign. Last evaluated: 2024-11-01. Review status: criteria provided, single submitter. Criteria: ACMG Guidelines, 2015. Collection method: clinical testing. Allele origin: germline.

CeGaT Center for Human Genetics Tuebingen
Classification: Likely benign. Last evaluated: 2024-11-01. Review status: criteria provided, single submitter. Criteria: CeGaT Center For Human Genetics Tuebingen Variant Classification Criteria Version 2. Collection method: clinical testing. Allele origin: germline. Affected: yes. Observed: 5 variant alleles.
Comment: SCN2A: BP4, BP7

Athena Diagnostics
Classification: Benign. Last evaluated: 2019-07-15. Review status: criteria provided, single submitter. Criteria: Athena Diagnostics Criteria. Collection method: clinical testing. Allele origin: germline.

Illumina Laboratory Services, Illumina
Classification: Likely benign for Seizures, benign familial infantile, 3. Last evaluated: 2018-01-12. Review status: criteria provided, single submitter. Criteria: ICSL Variant Classification Criteria 13 December 2019. Collection method: clinical testing. Allele origin: germline.
Comment: This variant was observed in the ICSL laboratory as part of a predisposition screen in an ostensibly healthy population. It had not been previously curated by ICSL or reported in the Human Gene Mutation Database (HGMD: prior to June 1st, 2018), and was therefore a candidate for classification through an automated scoring system. Utilizing variant allele frequency, disease prevalence and penetrance estimates, and inheritance mode, an automated score was calculated to assess if this variant is too frequent to cause the disease. Based on the score and internal cut-off values, a variant classified as likely benign is not then subjected to further curation. The score for this variant resulted in a classification of likely benign for this disease.

GeneDx
Classification: Benign. Last evaluated: 2015-08-22. Review status: criteria provided, single submitter. Criteria: GeneDx Variant Classification (06012015). Collection method: clinical testing. Allele origin: germline. Affected: yes.
Comment: This variant is considered likely benign or benign based on one or more of the following criteria: it is a conservative change, it occurs at a poorly conserved position in the protein, it is predicted to be benign by multiple in silico algorithms, and/or has population frequency not consistent with disease.

Genetic Services Laboratory, University of Chicago
Classification: Uncertain significance. Last evaluated: 2015-07-06. Review status: criteria provided, single submitter. Criteria: ACMG Guidelines, 2015. Collection method: clinical testing. Allele origin: germline.

PreventionGenetics, part of Exact Sciences
Classification: Likely benign for SCN2A-related condition. Last evaluated: 2019-04-15. Review status: no assertion criteria provided. Collection method: clinical testing. Allele origin: germline. Not counted in ClinVar's aggregate classification.
Comment: This variant is classified as likely benign based on ACMG/AMP sequence variant interpretation guidelines (Richards et al. 2015 PMID: 25741868, with internal and published modifications).